The following is an entry in ClinVar:

NM_014633.5(CTR9):c.286C>A (p.Gln96Lys)

Gene: CTR9 (CTR9 component of Paf1/RNA polymerase II complex; plus strand). Cytogenetic location: 11p15.4.
Variant type: single nucleotide variant.
Coding change: c.286C>A on transcript NM_014633.5 (MANE Select); coding-DNA position 286, C replaced by A.
Protein change: p.Gln96Lys; replaces glutamine 96 with lysine.
Molecular consequence: missense variant.
Genome position (GRCh38, 1-based): chr11:10,755,099, C>A. VCF-style: chr11-10755099-C-A. GRCh37 (hg19) VCF-style: chr11-10776646-C-A.
Other names: c.286C>A, p.Gln96Lys (NM_001346279.2); short protein forms Q96K.
Identifiers: ClinVar variation 2699963 (VCV002699963.3), dbSNP rs756446470, ClinGen allele CA5884827.
Genomic context (GRCh38, chr11:10,755,099, plus strand): 5'-AGAGACCATGAAAAAGACCAGATGACTTGCTTGGATACATTGGCAGCGTATTATGTACAA[C>A]AGGCTCGGAAAGAAAAGAATAAGGACAATAAAAAGGATCTTATTACACAGGCCACCTTGT-3'
Protein context (NP_055448.1, residues 86-106): LDTLAAYYVQ[Gln96Lys]ARKEKNKDNK

ClinVar aggregate classification (germline): Uncertain significance (1 of 4 stars; one submission).

Allele frequency attached by ClinVar (database versions not stated): gnomAD exomes 0.00001; ExAC 0.00002.
gnomAD v4.1: 8 of 1,614,066 alleles (0.0005%); highest among the groups gnomAD compares: Admixed American, 0.0017%; no homozygotes.

Submission:

Labcorp Genetics (formerly Invitae), Labcorp
Classification: Uncertain significance. Last evaluated: 2023-08-30. Review status: criteria provided, single submitter. Criteria: Invitae Variant Classification Sherloc (09022015). Collection method: clinical testing. Allele origin: germline.
Comment: This sequence change replaces glutamine, which is neutral and polar, with lysine, which is basic and polar, at codon 96 of the CTR9 protein (p.Gln96Lys). This variant is present in population databases (rs756446470, gnomAD 0.002%). This variant has not been reported in the literature in individuals affected with CTR9-related conditions. An algorithm developed to predict the effect of missense changes on protein structure and function (PolyPhen-2) suggests that this variant is likely to be tolerated. In summary, the available evidence is currently insufficient to determine the role of this variant in disease. Therefore, it has been classified as a Variant of Uncertain Significance.